The following is an entry in ClinVar:

ClinVar aggregate classification (germline): Benign (0 of 4 stars; one submission).

Conditions:
CLASP2-related disorder. Also called: CLASP2-related condition.

Allele frequency attached by ClinVar (database versions not stated): 1000 Genomes Project 30x 0.00109; 1000 Genomes Project 0.00120; gnomAD 0.00293; TOPMed 0.00308; ExAC 0.00353; ESP Exome Variant Server 0.00366; gnomAD exomes 0.00398.
gnomAD v4.1: 6,352 of 1,611,652 alleles (0.39%); highest among the groups gnomAD compares: Middle Eastern, 1.1%; 25 homozygotes.

Submission:

PreventionGenetics, part of Exact Sciences
Classification: Benign for CLASP2-related condition. Last evaluated: 2019-03-15. Review status: no assertion criteria provided. Collection method: clinical testing. Allele origin: germline.
Comment: This variant is classified as benign based on ACMG/AMP sequence variant interpretation guidelines (Richards et al. 2015 PMID: 25741868, with internal and published modifications).

NM_001365631.1(CLASP2):c.3320C>T (p.Thr1107Ile)

Gene: CLASP2 (cytoplasmic linker associated protein 2; minus strand). Cytogenetic location: 3p22.3.
Variant type: single nucleotide variant.
Coding change: c.3320C>T on transcript NM_001365631.1 (MANE Select); coding-DNA position 3320, C replaced by T.
Protein change: p.Thr1107Ile; replaces threonine 1107 with isoleucine.
Molecular consequence: missense variant.
Genome position (GRCh38, 1-based): chr3:33,543,517, G>A on the plus strand (C>T on the coding strand, the complement: CLASP2 is on the minus strand). VCF-style: chr3-33543517-G-A. GRCh37 (hg19) VCF-style: chr3-33585009-G-A.
Other names: c.2684C>T, p.Thr895Ile (NM_001207044.3, NM_001400424.1); c.3383C>T, p.Thr1128Ile (NM_001365627.1); c.3407C>T, p.Thr1136Ile (NM_001365628.1); c.3404C>T, p.Thr1135Ile (NM_001365629.1); c.3329C>T, p.Thr1110Ile (NM_001365630.1); c.3317C>T, p.Thr1106Ile (NM_001365632.1); c.3281C>T, p.Thr1094Ile (NM_001365633.1); c.3278C>T, p.Thr1093Ile (NM_001365634.1, NM_001375703.1); and 37 more; short protein forms T1092I, T1093I, T1094I, T1106I, T1107I, T1109I, T1110I, T1115I.
Identifiers: ClinVar variation 3056625 (VCV003056625.2), dbSNP rs187113660, ClinGen allele CA2302275.